The following is an entry in ClinVar:

NM_003801.4(GPAA1):c.809del (p.Gly270fs)

Gene: GPAA1 (glycosylphosphatidylinositol anchor attachment 1; plus strand). Cytogenetic location: 8q24.3.
Variant type: Deletion.
Coding change: c.809del on transcript NM_003801.4 (MANE Select); coding-DNA position 809, one base deleted (G; older notation c.809delG).
Protein change: p.Gly270fs; shifts the reading frame from glycine 270.
Molecular consequence: frameshift variant.
Genome position (GRCh38, 1-based): chr8:144,084,326, G deleted; the last of 3 consecutive G bases (chr8:144,084,324-144,084,326); deleting any one gives the same sequence. VCF-style (leftmost placement, unchanged base first): chr8-144084323-AG-A. GRCh37 (hg19) VCF-style: chr8-145139226-AG-A.
Other names: short protein forms G270fs.
Identifiers: ClinVar variation 2871959 (VCV002871959.3), dbSNP rs2537316091, ClinGen allele CA2579277552.
Genomic context (GRCh38, chr8:144,084,323, plus strand): 5'-TTGACCTGCTCAATCTCTTCCAGACCTTCTGCCAGAAAGGGGGCCTGTTGTGCACGCTTC[AG>A]GGCAAGGTGGGGCTGCCTGCCTGCCTGAGGGCTGAAGGGCACAGGGTCTGTGGGAGGGGC-3'

ClinVar aggregate classification (germline): Pathogenic (1 of 4 stars; one submission).

Submission:

Labcorp Genetics (formerly Invitae), Labcorp
Classification: Pathogenic. Last evaluated: 2023-06-27. Review status: criteria provided, single submitter. Criteria: Invitae Variant Classification Sherloc (09022015). Collection method: clinical testing. Allele origin: germline.
Comment: This sequence change creates a premature translational stop signal (p.Gly270Alafs*48) in the GPAA1 gene. It is expected to result in an absent or disrupted protein product. Loss-of-function variants in GPAA1 are known to be pathogenic (PMID: 29100095). For these reasons, this variant has been classified as Pathogenic. Algorithms developed to predict the effect of sequence changes on RNA splicing suggest that this variant may create or strengthen a splice site. This variant has not been reported in the literature in individuals affected with GPAA1-related conditions. This variant is not present in population databases (gnomAD no frequency).

Literature cited by the submitters: PubMed 29100095.